The following is an entry in ClinVar:

ClinVar aggregate classification (germline): Uncertain significance (1 of 4 stars; one submission).

gnomAD v4.1: 2 of 1,612,844 alleles (0.00012%); highest among the groups gnomAD compares: African/African-American, 0.0013%; no homozygotes.

Submission:

GeneDx
Classification: Uncertain significance. Last evaluated: 2025-05-08. Review status: criteria provided, single submitter. Criteria: GeneDx Variant Classification Process June 2021. Collection method: clinical testing. Allele origin: germline. Affected: yes.
Comment: In silico analysis suggests that this missense variant does not alter protein structure/function; Has not been previously published as pathogenic or benign to our knowledge

NM_014847.4(UBAP2L):c.2416G>A (p.Ala806Thr)

Gene: UBAP2L (ubiquitin associated protein 2 like; plus strand). Cytogenetic location: 1q21.3.
Variant type: single nucleotide variant.
Coding change: c.2416G>A on transcript NM_014847.4 (MANE Select); coding-DNA position 2416, G replaced by A.
Protein change: p.Ala806Thr; replaces alanine 806 with threonine.
Molecular consequence: missense variant.
Genome position (GRCh38, 1-based): chr1:154,257,408, G>A. VCF-style: chr1-154257408-G-A. GRCh37 (hg19) VCF-style: chr1-154229884-G-A.
Other names: c.2416G>A, p.Ala806Thr (NM_001127320.3, NM_001375614.1, NM_001375615.1 and 14 more transcripts); c.2395G>A, p.Ala799Thr (NM_001287815.1); c.2449G>A, p.Ala817Thr (NM_001287816.1, NM_001330730.1, NM_001375612.1 and 2 more transcripts); short protein forms A799T, A806T, A817T.
Identifiers: ClinVar variation 4528215 (VCV004528215.1).
Genomic context (GRCh38, chr1:154,257,408, plus strand): 5'-AAAGCTCCTCCCAACCTCCCTCCTGGGGTCCCGCCGTTGTTGCCTAATCCGTATATTATG[G>A]CTCCAGGGCTGTTACATGCCTACCCGGTAAGTGGGACTAAAGGATCTTCTTCAAAAGGTG-3'
Protein context (NP_055662.3, residues 796-816): PPLLPNPYIM[Ala806Thr]PGLLHAYPPQ